The following is an entry in ClinVar:

ClinVar aggregate classification (germline): Conflicting classifications of pathogenicity. Review status: criteria provided, conflicting classifications (1 of 4 stars). 2 submissions from 2 submitters: Uncertain significance (1); Likely benign (1). Last evaluated 2021-08-25.

Conditions:
Inborn genetic diseases. Identifiers: MedGen C0950123, MeSH D030342.

gnomAD v4.1: 1 of 1,614,012 alleles (0.000062%); no homozygotes.

Submissions (2):

Ambry Genetics
Classification: Uncertain significance for Inborn genetic diseases. Last evaluated: 2021-08-25. Review status: criteria provided, single submitter. Criteria: Ambry Variant Classification Scheme 2023. Collection method: clinical testing. Allele origin: germline.
Comment: The c.587-5C>G intronic alteration consists of a C to G substitution 5 nucleotides before coding exon 7 in the EIF4A3 gene. Based on insufficient or conflicting evidence, the clinical significance of this alteration remains unclear.

Labcorp Genetics (formerly Invitae), Labcorp
Classification: Likely benign. Last evaluated: 2017-10-27. Review status: criteria provided, single submitter. Criteria: Invitae Variant Classification Sherloc (09022015). Collection method: clinical testing. Allele origin: germline.

NM_014740.4(EIF4A3):c.587-5C>G

Gene: EIF4A3 (eukaryotic translation initiation factor 4A3; minus strand). Cytogenetic location: 17q25.3.
Variant type: single nucleotide variant.
Coding change: c.587-5C>G on transcript NM_014740.4 (MANE Select); 5 bases into the intron before coding-DNA position 587, C replaced by G.
Molecular consequence: intron variant.
Genome position (GRCh38, 1-based): chr17:80,139,167, G>C on the plus strand (C>G on the coding strand, the complement: EIF4A3 is on the minus strand). VCF-style: chr17-80139167-G-C. GRCh37 (hg19) VCF-style: chr17-78112966-G-C.
Identifiers: ClinVar variation 726863 (VCV000726863.5), dbSNP rs1598604607, ClinGen allele CA915952231.
Genomic context (GRCh38, chr17:80,139,167, plus strand): 5'-CACCTGTGTGGCTGGAGGCAGGTACCTGTATACATCGTAAATCTGCTCTTTGAAACCTGG[G>C]ACAGGGAGCAAGACAGGTGAGGGATGTTTAGGGCGGCACACCCAGAAATGGAAGGTGCAC-3'